The following is an entry in ClinVar:

NM_138295.5(PKD1L1):c.6438G>A (p.Leu2146=)

Gene: PKD1L1 (polycystin 1 like 1, transient receptor potential channel interacting; minus strand). Cytogenetic location: 7p12.3.
Variant type: single nucleotide variant.
Coding change: c.6438G>A on transcript NM_138295.5 (MANE Select); coding-DNA position 6438, G replaced by A.
Protein change: p.Leu2146=; no amino-acid change (leucine 2146 retained).
Molecular consequence: synonymous variant.
Genome position (GRCh38, 1-based): chr7:47,831,252, C>T on the plus strand (G>A on the coding strand, the complement: PKD1L1 is on the minus strand). VCF-style: chr7-47831252-C-T. GRCh37 (hg19) VCF-style: chr7-47870850-C-T.
Identifiers: ClinVar variation 4985997 (VCV004985997.1).

ClinVar aggregate classification (germline): Uncertain significance (1 of 4 stars; one submission).

Conditions:
PKD1L1-related disorder. Also called: PKD1L1-related condition.

gnomAD v4.1: 46 of 1,613,980 alleles (0.0029%); highest among the groups gnomAD compares: Admixed American, 0.01%; no homozygotes.

Submission:

PreventionGenetics, part of Exact Sciences
Classification: Uncertain significance for PKD1L1-related condition. Last evaluated: 2026-04-29. Review status: criteria provided, single submitter. Criteria: ACMG Guidelines, 2015. Collection method: clinical testing. Allele origin: germline.
Comment: The PKD1L1 c.6438G>A variant is not predicted to result in an amino acid change (p.=). This variant is predicted to alter splicing based on an available splicing prediction program (SpliceAI, Jaganathan et al. 2019. PubMed ID: 30661751). However, the use of computer prediction programs is not equivalent to functional evidence. To our knowledge, this variant has not been reported in the literature. This variant is reported in 0.012% of alleles in individuals of Latino descent in gnomAD. At this time, the clinical significance of this variant is uncertain due to the absence of conclusive functional and genetic evidence.